The following is an entry in ClinVar:

NM_004415.4(DSP):c.777+5G>A

Gene: DSP (desmoplakin; plus strand). Cytogenetic location: 6p24.3.
Variant type: single nucleotide variant.
Coding change: c.777+5G>A on transcript NM_004415.4 (MANE Select); 5 bases into the intron after coding-DNA position 777, G replaced by A.
Molecular consequence: intron variant.
Genome position (GRCh38, 1-based): chr6:7,563,791, G>A. VCF-style: chr6-7563791-G-A. GRCh37 (hg19) VCF-style: chr6-7564024-G-A.
Other names: c.777+5G>A (NM_001319034.2, NM_001008844.3, NM_001406591.1).
Identifiers: ClinVar variation 2933893 (VCV002933893.3), dbSNP rs756608550, ClinGen allele CA050781.
Genomic context (GRCh38, chr6:7,563,791, plus strand): 5'-TCTAGCGCGAGAAATCTGCGATCTACCAGTTGGAGGAGGAGTATGAAAACCTGCTGGTAA[G>A]CTGATTTATTTCTCAAGTGCATCGACTTTCTGTTGTTTCCAATTCAATTCAGTTCAAGAA-3'

ClinVar aggregate classification (germline): Uncertain significance (1 of 4 stars; one submission).

Conditions:
Arrhythmogenic cardiomyopathy with wooly hair and keratoderma. Also called: Arrhythmogenic cardiomyopathy with woolly hair and keratoderma; PALMOPLANTAR KERATODERMA WITH LEFT VENTRICULAR CARDIOMYOPATHY AND WOOLLY HAIR; Carvajal syndrome; Dilated cardiomyopathy with woolly hair and keratoderma. Identifiers: Orphanet 65282, MedGen C1854063, MONDO:0011581, OMIM 605676.
Arrhythmogenic right ventricular dysplasia 8 (ARVD8). Also called: Arrhythmogenic Right Ventricular Dysplasia/Cardiomyopathy 8; ARRHYTHMOGENIC RIGHT VENTRICULAR DYSPLASIA, FAMILIAL, 8; ARRHYTHMOGENIC RIGHT VENTRICULAR CARDIOMYOPATHY 8. Identifiers: MedGen C1843896, MONDO:0011831, OMIM 607450.

Allele frequency attached by ClinVar (database versions not stated): ExAC 0.00001; TOPMed 0.00001.

Submission:

Labcorp Genetics (formerly Invitae), Labcorp
Classification: Uncertain significance for Arrhythmogenic cardiomyopathy with wooly hair and keratoderma; Arrhythmogenic right ventricular dysplasia 8. Last evaluated: 2023-01-18. Review status: criteria provided, single submitter. Criteria: Invitae Variant Classification Sherloc (09022015). Collection method: clinical testing. Allele origin: germline.
Comment: In summary, the available evidence is currently insufficient to determine the role of this variant in disease. Therefore, it has been classified as a Variant of Uncertain Significance. Variants that disrupt the consensus splice site are a relatively common cause of aberrant splicing (PMID: 17576681, 9536098). Algorithms developed to predict the effect of sequence changes on RNA splicing suggest that this variant is not likely to affect RNA splicing. This variant has not been reported in the literature in individuals affected with DSP-related conditions. This variant is present in population databases (rs756608550, gnomAD 0.007%). This sequence change falls in intron 6 of the DSP gene. It does not directly change the encoded amino acid sequence of the DSP protein. It affects a nucleotide within the consensus splice site.

Literature cited by the submitters: PubMed 17576681; PubMed 9536098.